The following is an entry in ClinVar:

NM_013391.3(DMGDH):c.1518-4T>A

Gene: DMGDH (dimethylglycine dehydrogenase; minus strand). Cytogenetic location: 5q14.1.
Variant type: single nucleotide variant.
Coding change: c.1518-4T>A on transcript NM_013391.3 (MANE Select); 4 bases into the intron before coding-DNA position 1518, T replaced by A.
Molecular consequence: intron variant.
Genome position (GRCh38, 1-based): chr5:79,031,002, A>T on the plus strand (T>A on the coding strand, the complement: DMGDH is on the minus strand). VCF-style: chr5-79031002-A-T. GRCh37 (hg19) VCF-style: chr5-78326825-A-T.
Identifiers: ClinVar variation 380061 (VCV000380061.30), dbSNP rs72764929, ClinGen allele CA3318690.
Genomic context (GRCh38, chr5:79,031,002, plus strand): 5'-ACCTGTTTATACTCCGAGCCCACAGGCTCAAACCAGTTTGTGCGGCGAAAACTTGGCCTG[A>T]AACACAACATTTAGTGTCATAAAACAACTCCCGTTCATTTTTCAAAAATTACAGAATACG-3'

ClinVar aggregate classification (germline): Benign/Likely benign. Review status: criteria provided, multiple submitters, no conflicts (2 of 4 stars). 4 submissions from 4 submitters: Benign (1); Likely benign (3). Last evaluated 2023-02-01.

Allele frequency attached by ClinVar (database versions not stated): 1000 Genomes Project 0.00180; 1000 Genomes Project 30x 0.00219; ExAC 0.00441; gnomAD exomes 0.00496 and 0.00811; TOPMed 0.00513; ESP Exome Variant Server 0.00554; gnomAD 0.00557 and 0.00564.
gnomAD v4.1: 12,554 of 1,614,178 alleles (0.78%); highest among the groups gnomAD compares: Non-Finnish European, 0.96%; 69 homozygotes.

Submissions (4):

CeGaT Center for Human Genetics Tuebingen
Classification: Likely benign. Last evaluated: 2023-02-01. Review status: criteria provided, single submitter. Criteria: CeGaT Center For Human Genetics Tuebingen Variant Classification Criteria Version 2. Collection method: clinical testing. Allele origin: germline. Affected: yes. Observed: 1 variant allele.
Comment: DMGDH: BP4, BS2

Labcorp Genetics (formerly Invitae), Labcorp
Classification: Benign. Last evaluated: 2019-12-31. Review status: criteria provided, single submitter. Criteria: Invitae Variant Classification Sherloc (09022015). Collection method: clinical testing. Allele origin: germline.

GeneDx
Classification: Likely benign. Last evaluated: 2018-02-20. Review status: criteria provided, single submitter. Criteria: GeneDx Variant Classification (06012015). Collection method: clinical testing. Allele origin: germline. Affected: yes.
Comment: This variant is considered likely benign or benign based on one or more of the following criteria: it is a conservative change, it occurs at a poorly conserved position in the protein, it is predicted to be benign by multiple in silico algorithms, and/or has population frequency not consistent with disease.

Breakthrough Genomics
Classification: Likely benign. Review status: criteria provided, single submitter. Criteria: ACMG Guidelines, 2015. Collection method: not provided. Allele origin: germline. Inheritance: Autosomal recessive inheritance. Affected: yes.